The following is an entry in ClinVar:

NM_001111.5(ADAR):c.1177A>G (p.Asn393Asp)

Gene: ADAR (adenosine deaminase RNA specific; minus strand). Cytogenetic location: 1q21.3.
Variant type: single nucleotide variant.
Coding change: c.1177A>G on transcript NM_001111.5 (MANE Select); coding-DNA position 1177, A replaced by G.
Protein change: p.Asn393Asp; replaces asparagine 393 with aspartic acid.
Molecular consequence: missense variant.
Genome position (GRCh38, 1-based): chr1:154,601,465, T>C on the plus strand (A>G on the coding strand, the complement: ADAR is on the minus strand). VCF-style: chr1-154601465-T-C. GRCh37 (hg19) VCF-style: chr1-154573941-T-C.
Other names: c.292A>G, p.Asn98Asp (NM_001025107.3, NM_001193495.2, NM_001365046.1 and 3 more transcripts); c.1204A>G, p.Asn402Asp (NM_001365045.1); c.1177A>G, p.Asn393Asp (NM_015840.4, NM_015841.4); short protein forms N98D, N402D, N393D.
Identifiers: ClinVar variation 961603 (VCV000961603.9), dbSNP rs751288252, ClinGen allele CA1131575.

ClinVar aggregate classification (germline): Uncertain significance (1 of 4 stars; one submission).

Conditions:
Symmetrical dyschromatosis of extremities (DSH). Also called: RETICULATE ACROPIGMENTATION OF DOHI; SYMMETRIC DYSCHROMATOSIS OF THE EXTREMITIES; Dyschromatosis symmetrica hereditaria; DYSCHROMATOSIS SYMMETRICA HEREDITARIA 1. Identifiers: Orphanet 41, MedGen C0406775, MONDO:0007483, OMIM 127400.
Aicardi-Goutieres syndrome 6 (AGS6). Identifiers: Orphanet 51, MedGen C3539013, MONDO:0014007, OMIM 615010.

Allele frequency attached by ClinVar (database versions not stated): ExAC 0.00001; gnomAD exomes 0.00002 and 0.00005; gnomAD 0.00003 and 0.00004; TOPMed 0.00008.
gnomAD v4.1: 30 of 1,614,096 alleles (0.0019%); highest among the groups gnomAD compares: Admixed American, 0.023%; no homozygotes.

Submission:

Labcorp Genetics (formerly Invitae), Labcorp
Classification: Uncertain significance for Aicardi-Goutieres syndrome 6; Symmetrical dyschromatosis of extremities. Last evaluated: 2026-01-13. Review status: criteria provided, single submitter. Criteria: Invitae Variant Classification Sherloc (09022015). Collection method: clinical testing. Allele origin: germline.
Comment: This sequence change replaces asparagine, which is neutral and polar, with aspartic acid, which is acidic and polar, at codon 393 of the ADAR protein (p.Asn393Asp). This variant is present in population databases (rs751288252, gnomAD 0.02%). This variant has not been reported in the literature in individuals affected with ADAR-related conditions. ClinVar contains an entry for this variant (Variation ID: 961603). Invitae Evidence Modeling of protein sequence and biophysical properties (such as structural, functional, and spatial information, amino acid conservation, physicochemical variation, residue mobility, and thermodynamic stability) indicates that this missense variant is not expected to disrupt ADAR protein function with a negative predictive value of 80%. In summary, the available evidence is currently insufficient to determine the role of this variant in disease. Therefore, it has been classified as a Variant of Uncertain Significance.